The following is an entry in ClinVar:

GRCh37/hg19 2q37.3(chr2:238234151-238234418)x0

Gene: COL6A3 (collagen type VI alpha 3 chain; minus strand). Cytogenetic location: 2q37.3.
Variant type: copy number loss.
Change: copy number 0 (both copies lost) of chr2:238,234,151-238,234,418 (0.3 kb, GRCh37 coordinates, 1-based), cytogenetic band 2q37.3.
Identifiers: ClinVar variation 3338441 (VCV003338441.1).

ClinVar aggregate classification (germline): Likely pathogenic (0 of 4 stars; one submission).

Conditions:
Dystonia 27 (DYT27). Identifiers: Orphanet 464440, MedGen C4225336, MONDO:0014627, OMIM 616411.

Submission:

Solve-RD Consortium
Classification: Likely pathogenic for Dystonia 27. Last evaluated: 2024-06-01. Review status: no assertion criteria provided. Collection method: provider interpretation. Allele origin: germline. Affected: yes.
Comment: This CNV was confirmed by the submitting clinician to impact a gene that corresponds with the phenotype of the affected individual, and thus deemed to be causative for their condition.

Literature cited by the submitters: PubMed 39825153.